The following is an entry in ClinVar:

NM_001384474.1(LOXHD1):c.6651C>T (p.Arg2217=)

Gene: LOXHD1 (lipoxygenase homology PLAT domains 1; minus strand). Cytogenetic location: 18q21.1.
Variant type: single nucleotide variant.
Coding change: c.6651C>T on transcript NM_001384474.1 (MANE Select); coding-DNA position 6651, C replaced by T.
Protein change: p.Arg2217=; no amino-acid change (arginine 2217 retained).
Molecular consequence: synonymous variant. On other transcripts: intron variant (1).
Genome position (GRCh38, 1-based): chr18:46,477,643, G>A on the plus strand (C>T on the coding strand, the complement: LOXHD1 is on the minus strand). VCF-style: chr18-46477643-G-A. GRCh37 (hg19) VCF-style: chr18-44057606-G-A.
Other names: c.1368C>T, p.Arg456= (NM_001145473.3, NM_001173129.2); c.3030C>T, p.Arg1010= (NM_001308013.2); c.6465C>T, p.Arg2155= (NM_144612.7); c.3307+11C>T (NM_001145472.3).
Identifiers: ClinVar variation 383263 (VCV000383263.1), dbSNP rs1057521570, ClinGen allele CA16608748.

ClinVar aggregate classification (germline): Likely benign (1 of 4 stars; one submission).

Allele frequency attached by ClinVar (database versions not stated): gnomAD exomes below 0.00001.
gnomAD v4.1: 3 of 1,551,798 alleles (0.00019%); highest among the groups gnomAD compares: Non-Finnish European, 0.00026%; no homozygotes.

Submission:

GeneDx
Classification: Likely benign. Last evaluated: 2016-02-21. Review status: criteria provided, single submitter. Criteria: GeneDx Variant Classification (06012015). Collection method: clinical testing. Allele origin: germline. Affected: yes.
Comment: This variant is considered likely benign or benign based on one or more of the following criteria: it is a conservative change, it occurs at a poorly conserved position in the protein, it is predicted to be benign by multiple in silico algorithms, and/or has population frequency not consistent with disease.